The following is an entry in ClinVar:

NM_005654.6(NR2F1):c.1134C>A (p.Arg378=)

Gene: NR2F1 (nuclear receptor subfamily 2 group F member 1; plus strand). Cytogenetic location: 5q15.
Variant type: single nucleotide variant.
Coding change: c.1134C>A on transcript NM_005654.6 (MANE Select); coding-DNA position 1134, C replaced by A.
Protein change: p.Arg378=; no amino-acid change (arginine 378 retained).
Molecular consequence: synonymous variant.
Genome position (GRCh38, 1-based): chr5:93,593,704, C>A. VCF-style: chr5-93593704-C-A. GRCh37 (hg19) VCF-style: chr5-92929410-C-A.
Identifiers: ClinVar variation 386796 (VCV000386796.8), dbSNP rs755004144, ClinGen allele CA3343242.

ClinVar aggregate classification (germline): Likely benign. Review status: criteria provided, multiple submitters, no conflicts (2 of 4 stars). 2 submissions from 2 submitters: Likely benign (2). Last evaluated 2025-04-14.

Submissions (2):

Labcorp Genetics (formerly Invitae), Labcorp
Classification: Likely benign. Last evaluated: 2025-04-14. Review status: criteria provided, single submitter. Criteria: Invitae Variant Classification Sherloc (09022015). Collection method: clinical testing. Allele origin: germline.

GeneDx
Classification: Likely benign. Last evaluated: 2016-06-10. Review status: criteria provided, single submitter. Criteria: GeneDx Variant Classification (06012015). Collection method: clinical testing. Allele origin: germline. Affected: yes.
Comment: This variant is considered likely benign or benign based on one or more of the following criteria: it is a conservative change, it occurs at a poorly conserved position in the protein, it is predicted to be benign by multiple in silico algorithms, and/or has population frequency not consistent with disease.